The following is an entry in ClinVar:

ClinVar aggregate classification (germline): Pathogenic/Likely pathogenic. Review status: criteria provided, multiple submitters, no conflicts (2 of 4 stars). 3 submissions from 3 submitters: Pathogenic (1); Likely pathogenic (2). Last evaluated 2026-04-01.

Conditions:
Hereditary cancer-predisposing syndrome. Also called: Neoplastic Syndromes, Hereditary; Tumor predisposition; Hereditary Cancer Syndrome; Hereditary neoplastic syndrome. Identifiers: Orphanet 140162, MedGen C0027672, MeSH D009386, MONDO:0015356.
Familial adenomatous polyposis 3. Also called: NTHL1-Related Adenomatous Polyposis and Colorectal Cancer; NTHL1-associated polyposis; NTHL1-related attenuated familial adenomatous polyposis; NTHL1 Tumor Syndrome. Identifiers: Orphanet 220460, Orphanet 454840, MedGen C4225157, MONDO:0014630, OMIM 616415.

Submissions (3):

Ambry Genetics
Classification: Likely pathogenic for Hereditary cancer-predisposing syndrome. Last evaluated: 2026-04-01. Review status: criteria provided, single submitter. Criteria: Ambry Variant Classification Scheme 2023. Collection method: clinical testing. Allele origin: germline.
Comment: The c.550-1G>T intronic variant results from a G to T substitution one nucleotide upstream from coding exon 4 of the NTHL1 gene. This variant occurs at the 3' terminus of the gene, is not expected to trigger nonsense-mediated mRNA decay, and only impacts the last 13% of the protein. The exact functional effect of this variant is unknown; however, the region predicted to be impacted is critical for protein function and a significant portion of the protein is affected (Ambry internal data). This variant is considered to be rare based on population cohorts in the Genome Aggregation Database (gnomAD). This nucleotide position is highly conserved in available vertebrate species. In silico splice site analysis predicts that this alteration will weaken the native splice acceptor site and will result in the creation or strengthening of a novel splice acceptor site. Based on the majority of available evidence to date, this variant is likely to be pathogenic.

Labcorp Genetics (formerly Invitae), Labcorp
Classification: Pathogenic. Last evaluated: 2024-05-01. Review status: criteria provided, single submitter. Criteria: Invitae Variant Classification Sherloc (09022015). Collection method: clinical testing. Allele origin: germline.
Comment: This sequence change affects an acceptor splice site in intron 3 of the NTHL1 gene. It is expected to disrupt RNA splicing. Variants that disrupt the donor or acceptor splice site typically lead to a loss of protein function (PMID: 16199547), and loss-of-function variants in NTHL1 are known to be pathogenic (PMID: 25938944, 26559593). This variant is not present in population databases (gnomAD no frequency). Disruption of this splice site has been observed in individual(s) with NTHL1-related conditions (PMID: 31227763). In at least one individual the data is consistent with being in trans (on the opposite chromosome) from a pathogenic variant. ClinVar contains an entry for this variant (Variation ID: 1381420). Algorithms developed to predict the effect of sequence changes on RNA splicing suggest that this variant may disrupt the consensus splice site. For these reasons, this variant has been classified as Pathogenic.

Myriad Genetics, Inc.
Classification: Likely pathogenic for Familial adenomatous polyposis 3. Last evaluated: 2023-09-05. Review status: criteria provided, single submitter. Criteria: Myriad Autosomal Dominant, Autosomal Recessive and X-Linked Classification Criteria (2023). Collection method: clinical testing. Allele origin: unknown.
Comment: This variant is considered likely pathogenic. This variant occurs within a consensus splice junction and is predicted to result in abnormal mRNA splicing of either an out-of-frame exon or an in-frame exon necessary for protein stability and/or normal function.

Literature cited by the submitters: PubMed 16199547 (cited by Labcorp Genetics (formerly Invitae), Labcorp); PubMed 25938944 (cited by Labcorp Genetics (formerly Invitae), Labcorp); PubMed 26559593 (cited by Labcorp Genetics (formerly Invitae), Labcorp); PubMed 31227763 (cited by Labcorp Genetics (formerly Invitae), Labcorp).

NM_002528.7(NTHL1):c.526-1G>T

Gene: NTHL1 (nth like DNA glycosylase 1; minus strand). Cytogenetic location: 16p13.3.
Variant type: single nucleotide variant.
Coding change: c.526-1G>T on transcript NM_002528.7 (MANE Select); the canonical splice acceptor site of the intron before coding-DNA position 526, G replaced by T.
Molecular consequence: splice acceptor variant.
Genome position (GRCh38, 1-based): chr16:2,043,727, C>A on the plus strand (G>T on the coding strand, the complement: NTHL1 is on the minus strand). VCF-style: chr16-2043727-C-A. GRCh37 (hg19) VCF-style: chr16-2093728-C-A.
Other names: c.196-1G>T (NM_001318194.2); c.355-1G>T (NM_001318193.2); c.550-1G>T (NM_002528.5).
Identifiers: ClinVar variation 1381420 (VCV001381420.10), dbSNP rs779757251, ClinGen allele CA394292667.